The following is an entry in ClinVar:

NM_006012.4(CLPP):c.661+2T>G

Gene: CLPP (caseinolytic mitochondrial matrix peptidase proteolytic subunit; plus strand). Cytogenetic location: 19p13.3.
Variant type: single nucleotide variant.
Coding change: c.661+2T>G on transcript NM_006012.4 (MANE Select); the canonical splice donor site of the intron after coding-DNA position 661, T replaced by G.
Molecular consequence: splice donor variant.
Genome position (GRCh38, 1-based): chr19:6,366,365, T>G. VCF-style: chr19-6366365-T-G. GRCh37 (hg19) VCF-style: chr19-6366376-T-G.
Identifiers: ClinVar variation 4855728 (VCV004855728.1).

ClinVar aggregate classification (germline): Likely pathogenic (1 of 4 stars; one submission).

Conditions:
Perrault syndrome 3 (PRLTS3). Identifiers: Orphanet 2855, MedGen C3808414, MONDO:0013588, OMIM 614129.

Submission:

3billion
Classification: Likely pathogenic for Perrault syndrome 3. Last evaluated: 2025-10-07. Review status: criteria provided, single submitter. Criteria: ACMG Guidelines, 2015. Collection method: clinical testing. Allele origin: germline. Affected: yes.
Comment: The variant is not observed in the gnomAD v4.1.0 dataset. Predicted Consequence/Location: Canonical splice site: predicted to alter splicing and result in a loss or disruption of normal protein function. The predicted truncated protein may be shortened by more than 10%. In silico tools predict the variant to alter splicing and produce an abnormal transcript [SpliceAI: 0.99 (spliceogenicity >=0.2, non-spliceogenicity <0.1)]. Therefore, this variant is classified as Likely pathogenic according to the recommendation of ACMG/AMP guideline.